The following is an entry in ClinVar:

NM_139076.3(ABRAXAS1):c.971C>A (p.Thr324Asn)

Gene: ABRAXAS1 (abraxas 1, BRCA1 A complex subunit; minus strand). Cytogenetic location: 4q21.23.
Variant type: single nucleotide variant.
Coding change: c.971C>A on transcript NM_139076.3 (MANE Select); coding-DNA position 971, C replaced by A.
Protein change: p.Thr324Asn; replaces threonine 324 with asparagine.
Molecular consequence: missense variant.
Genome position (GRCh38, 1-based): chr4:83,462,728, G>T on the plus strand (C>A on the coding strand, the complement: ABRAXAS1 is on the minus strand). VCF-style: chr4-83462728-G-T. GRCh37 (hg19) VCF-style: chr4-84383881-G-T.
Other names: c.644C>A, p.Thr215Asn (NM_001345962.2); short protein forms T215N, T324N.
Identifiers: ClinVar variation 2626286 (VCV002626286.2), dbSNP rs1300187794, ClinGen allele CA357255700.
Genomic context (GRCh38, chr4:83,462,728, plus strand): 5'-ATGATTTGTGGTGTACTAGCTGGACTAGCTTCAGGAATGTCAGTGTGTTCTACCATTAAG[G>T]TCAGATTGTCTACTACATCGAGATGGTGGTTGTAGTTACAGCTACTTTTAGAAACATGTC-3'
Protein context (NP_620775.2, residues 314-334): NHHLDVVDNL[Thr324Asn]LMVEHTDIPE

ClinVar aggregate classification (germline): Uncertain significance (1 of 4 stars; one submission).

gnomAD v4.1: 6 of 1,613,802 alleles (0.00037%); highest among the groups gnomAD compares: Non-Finnish European, 0.00051%; no homozygotes.

Submission:

Ambry Genetics
Classification: Uncertain significance. Last evaluated: 2023-07-15. Review status: criteria provided, single submitter. Criteria: Ambry Variant Classification Scheme 2023. Collection method: clinical testing. Allele origin: germline.
Comment: The p.T324N variant (also known as c.971C>A), located in coding exon 9 of the FAM175A gene, results from a C to A substitution at nucleotide position 971. The threonine at codon 324 is replaced by asparagine, an amino acid with similar properties. This amino acid position is conserved. In addition, this alteration is predicted to be tolerated by in silico analysis. Since supporting evidence is limited at this time, the clinical significance of this alteration remains unclear.